The following is an entry in ClinVar:

ClinVar aggregate classification (germline): Uncertain significance (1 of 4 stars; one submission).

Conditions:
Inborn genetic diseases. Identifiers: MedGen C0950123, MeSH D030342.

Submission:

Ambry Genetics
Classification: Uncertain significance for Inborn genetic diseases. Last evaluated: 2025-01-02. Review status: criteria provided, single submitter. Criteria: Ambry Variant Classification Scheme 2023. Collection method: clinical testing. Allele origin: germline.
Comment: The p.P905Q variant (also known as c.2714C>A), located in coding exon 15 of the RECQL4 gene, results from a C to A substitution at nucleotide position 2714. The proline at codon 905 is replaced by glutamine, an amino acid with similar properties. This amino acid position is conserved. In addition, the in silico prediction for this alteration is inconclusive. Based on the available evidence, the clinical significance of this variant remains unclear.

NM_004260.4(RECQL4):c.2714C>A (p.Pro905Gln)

Gene: RECQL4 (RecQ like helicase 4; minus strand). Cytogenetic location: 8q24.3.
Variant type: single nucleotide variant.
Coding change: c.2714C>A on transcript NM_004260.4 (MANE Select); coding-DNA position 2714, C replaced by A.
Protein change: p.Pro905Gln; replaces proline 905 with glutamine.
Molecular consequence: missense variant. On other transcripts: non-coding transcript variant (3).
Genome position (GRCh38, 1-based): chr8:144,512,888, G>T on the plus strand (C>A on the coding strand, the complement: RECQL4 is on the minus strand). VCF-style: chr8-144512888-G-T. GRCh37 (hg19) VCF-style: chr8-145738271-G-T.
Other names: c.2420C>A, p.Pro807Gln (NM_001413017.1); c.2516C>A, p.Pro839Gln (NM_001413018.1); c.2714C>A, p.Pro905Gln (NM_001413019.1, NM_001413036.1); c.2618C>A, p.Pro873Gln (NM_001413020.1); c.1643C>A, p.Pro548Gln (NM_001413021.1, NM_001413022.1, NM_001413023.1 and 5 more transcripts); c.2585C>A, p.Pro862Gln (NM_001413025.1); c.1577C>A, p.Pro526Gln (NM_001413027.1, NM_001413030.1, NM_001413032.1 and 1 more transcripts); c.2363C>A, p.Pro788Gln (NM_001413029.1); and 6 more; short protein forms P905Q, P526Q, P538Q, P548Q, P807Q, P861Q, P895Q, P788Q.
Identifiers: ClinVar variation 3787978 (VCV003787978.1).